The following is an entry in ClinVar:

NM_001190274.2(FBXO11):c.1501C>T (p.Gln501Ter)

Gene: FBXO11 (F-box protein 11; minus strand). Cytogenetic location: 2p16.3.
Variant type: single nucleotide variant.
Coding change: c.1501C>T on transcript NM_001190274.2 (MANE Select); coding-DNA position 1501, C replaced by T.
Protein change: p.Gln501Ter; replaces glutamine 501 with a stop codon.
Molecular consequence: nonsense.
Genome position (GRCh38, 1-based): chr2:47,823,258, G>A on the plus strand (C>T on the coding strand, the complement: FBXO11 is on the minus strand). VCF-style: chr2-47823258-G-A. GRCh37 (hg19) VCF-style: chr2-48050397-G-A.
Other names: c.1249C>T, p.Gln417Ter (NM_001374325.1, NM_025133.4); short protein forms Q417*, Q501*.
Identifiers: ClinVar variation 620354 (VCV000620354.1), dbSNP rs1558414256, ClinGen allele CA346764906.

ClinVar aggregate classification (germline): Pathogenic (1 of 4 stars; one submission).

Submission:

GeneDx
Classification: Pathogenic. Last evaluated: 2018-09-15. Review status: criteria provided, single submitter. Criteria: GeneDx Variant Classification (06012015). Collection method: clinical testing. Allele origin: germline. Affected: yes.
Comment: The Q501X variant in the FBXO11 gene has not been reported previously as a pathogenic variant nor as a benign variant, to our knowledge. This variant is predicted to cause loss of normal protein function either through protein truncation or nonsense-mediated mRNA decay. The Q501X variant is not observed in large population cohorts (Lek et al., 2016). We interpret Q501X as a pathogenic variant.